The following is an entry in ClinVar:

NM_021830.5(TWNK):c.1734+15_1734+16delinsTA

Gene: TWNK (twinkle mtDNA helicase; plus strand). Cytogenetic location: 10q24.31.
Variant type: Indel.
Coding change: c.1734+15_1734+16delinsTA on transcript NM_021830.5 (MANE Select); bases 15 to 16 of the intron after coding-DNA position 1734, GC replaced by TA.
Molecular consequence: intron variant. On other transcripts: stop lost (2), non-coding transcript variant (3).
Genome position (GRCh38, 1-based): chr10:100,991,025-100,991,026, GC replaced by TA. VCF-style: chr10-100991025-GC-TA. GRCh37 (hg19) VCF-style: chr10-102750782-GC-TA.
Other names: c.1749_*1delinsTA, p.Ter583Tyr (NM_001163812.2); c.387_*1delinsTA, p.Ter129Tyr (NM_001163814.2); c.372+15_372+16delinsTA (NM_001163813.2, NM_001368275.1).
Identifiers: ClinVar variation 2059087 (VCV002059087.4), dbSNP rs2493642789, ClinGen allele CA2580081140.

ClinVar aggregate classification (germline): Uncertain significance (1 of 4 stars; one submission).

Submission:

Labcorp Genetics (formerly Invitae), Labcorp
Classification: Uncertain significance. Last evaluated: 2021-12-28. Review status: criteria provided, single submitter. Criteria: Invitae Variant Classification Sherloc (09022015). Collection method: clinical testing. Allele origin: germline.
Comment: In summary, the available evidence is currently insufficient to determine the role of this variant in disease. Therefore, it has been classified as a Variant of Uncertain Significance. Algorithms developed to predict the effect of sequence changes on RNA splicing suggest that this variant may create or strengthen a splice site. This variant has not been reported in the literature in individuals affected with TWNK-related conditions. Information on the frequency of this variant in the gnomAD database is not available, as this variant may be reported differently in the database. This sequence change falls in intron 4 of the TWNK gene. It does not directly change the encoded amino acid sequence of the TWNK protein.